The following is an entry in ClinVar:

NM_000245.4(MET):c.2439C>T (p.Leu813=)

Gene: MET (MET proto-oncogene, receptor tyrosine kinase; plus strand). Cytogenetic location: 7q31.2.
Variant type: single nucleotide variant.
Coding change: c.2439C>T on transcript NM_000245.4 (MANE Select); coding-DNA position 2439, C replaced by T.
Protein change: p.Leu813=; no amino-acid change (leucine 813 retained).
Molecular consequence: synonymous variant.
Genome position (GRCh38, 1-based): chr7:116,763,124, C>T. VCF-style: chr7-116763124-C-T. GRCh37 (hg19) VCF-style: chr7-116403178-C-T.
Other names: c.2493C>T, p.Leu831= (NM_001127500.3); c.2439C>T, p.Leu813= (NM_001324401.3); c.1149C>T, p.Leu383= (NM_001324402.2).
Identifiers: ClinVar variation 1085402 (VCV001085402.12), dbSNP rs757296777, ClinGen allele CA4448489.

ClinVar aggregate classification (germline): Benign/Likely benign. Review status: criteria provided, multiple submitters, no conflicts (2 of 4 stars). 3 submissions from 3 submitters: Benign (1); Likely benign (2). Last evaluated 2024-11-11.

Conditions:
Hereditary cancer-predisposing syndrome. Also called: Hereditary Cancer Syndrome; Neoplastic Syndromes, Hereditary; Tumor predisposition; Hereditary neoplastic syndrome. Identifiers: Orphanet 140162, MedGen C0027672, MeSH D009386, MONDO:0015356.
Renal cell carcinoma. Identifiers: Orphanet 217071, MedGen C0007134, MeSH D002292, MONDO:0005086, HP:0005584.
Papillary renal cell carcinoma type 1 (RCCP1). Also called: Renal adenocarcinoma; Renal cell carcinoma 1; Renal cell carcinoma, somatic; RENAL CELL CARCINOMA, PAPILLARY, 1, SOMATIC. Identifiers: Orphanet 47044, MedGen C1336839, OMIM 605074, HP:0011797.

Allele frequency attached by ClinVar (database versions not stated): ExAC 0.00001; gnomAD exomes 0.00001; TOPMed 0.00002.

Submissions (3):

Myriad Genetics, Inc.
Classification: Benign for Papillary renal cell carcinoma type 1. Last evaluated: 2024-11-11. Review status: criteria provided, single submitter. Criteria: Myriad Autosomal Dominant, Autosomal Recessive and X-Linked Classification Criteria (2023). Collection method: clinical testing. Allele origin: unknown.
Comment: This variant is considered benign. This variant is a silent/synonymous amino acid change and it is not expected to impact splicing.

Labcorp Genetics (formerly Invitae), Labcorp
Classification: Likely benign for Renal cell carcinoma. Last evaluated: 2024-08-20. Review status: criteria provided, single submitter. Criteria: Invitae Variant Classification Sherloc (09022015). Collection method: clinical testing. Allele origin: germline.

Ambry Genetics
Classification: Likely benign for Hereditary cancer-predisposing syndrome. Last evaluated: 2021-12-30. Review status: criteria provided, single submitter. Criteria: Ambry Variant Classification Scheme 2023. Collection method: clinical testing. Allele origin: germline.